The following is an entry in ClinVar:

ClinVar aggregate classification (germline): Uncertain significance. Review status: criteria provided, multiple submitters, no conflicts (2 of 4 stars). 2 submissions from 2 submitters: Uncertain significance (2). Last evaluated 2023-06-09.

Conditions:
Inborn genetic diseases. Identifiers: MedGen C0950123, MeSH D030342.

Allele frequency attached by ClinVar (database versions not stated): gnomAD exomes below 0.00001.
gnomAD v4.1: 1 of 1,614,022 alleles (0.000062%); highest among the groups gnomAD compares: Non-Finnish European, 0.000085%; no homozygotes.

Submissions (2):

Ambry Genetics
Classification: Uncertain significance for Inborn genetic diseases. Last evaluated: 2023-06-09. Review status: criteria provided, single submitter. Criteria: Ambry Variant Classification Scheme 2023. Collection method: clinical testing. Allele origin: germline.
Comment: The p.P63L variant (also known as c.188C>T), located in coding exon 3 of the ATR gene, results from a C to T substitution at nucleotide position 188. The proline at codon 63 is replaced by leucine, an amino acid with similar properties. This amino acid position is conserved. In addition, the in silico prediction for this alteration is inconclusive. Since supporting evidence is limited at this time, the clinical significance of this alteration remains unclear.

Labcorp Genetics (formerly Invitae), Labcorp
Classification: Uncertain significance. Last evaluated: 2020-10-19. Review status: criteria provided, single submitter. Criteria: Invitae Variant Classification Sherloc (09022015). Collection method: clinical testing. Allele origin: germline.
Comment: This variant has not been reported in the literature in individuals with ATR-related conditions. This variant is not present in population databases (ExAC no frequency). This sequence change replaces proline with leucine at codon 63 of the ATR protein (p.Pro63Leu). The proline residue is moderately conserved and there is a moderate physicochemical difference between proline and leucine. In summary, the available evidence is currently insufficient to determine the role of this variant in disease. Therefore, it has been classified as a Variant of Uncertain Significance. Algorithms developed to predict the effect of missense changes on protein structure and function are either unavailable or do not agree on the potential impact of this missense change (SIFT: "Tolerated"; PolyPhen-2: "Probably Damaging"; Align-GVGD: "Class C0").

NM_001184.4(ATR):c.188C>T (p.Pro63Leu)

Gene: ATR (ATR checkpoint kinase; minus strand). Cytogenetic location: 3q23.
Variant type: single nucleotide variant.
Coding change: c.188C>T on transcript NM_001184.4 (MANE Select); coding-DNA position 188, C replaced by T.
Protein change: p.Pro63Leu; replaces proline 63 with leucine.
Molecular consequence: missense variant.
Genome position (GRCh38, 1-based): chr3:142,566,225, G>A on the plus strand (C>T on the coding strand, the complement: ATR is on the minus strand). VCF-style: chr3-142566225-G-A. GRCh37 (hg19) VCF-style: chr3-142285067-G-A.
Other names: c.188C>T (NM_001184.3); c.188C>T, p.Pro63Leu (NM_001354579.2); short protein forms P63L.
Identifiers: ClinVar variation 1016685 (VCV001016685.10), dbSNP rs2035067219, ClinGen allele CA354828650.